The following is an entry in ClinVar:

ClinVar aggregate classification (germline): Pathogenic. Review status: reviewed by expert panel (3 of 4 stars). 3 submissions from 3 submitters: Pathogenic (1). 2 of the submissions do not count toward it. Last evaluated 2016-10-18.

Conditions:
Hereditary cancer-predisposing syndrome. Also called: Hereditary Cancer Syndrome; Neoplastic Syndromes, Hereditary; Hereditary neoplastic syndrome; Tumor predisposition. Identifiers: Orphanet 140162, MedGen C0027672, MeSH D009386, MONDO:0015356.
Breast-ovarian cancer, familial, susceptibility to, 1 (BROVCA1). Also called: BRCA1 Hereditary Breast and Ovarian Cancer; OVARIAN CANCER, SUSCEPTIBILITY TO. Identifiers: Orphanet 145, MedGen C2676676, MONDO:0011450, OMIM 604370. Disease mechanism: loss of function.

Submissions (3):

Evidence-based Network for the Interpretation of Germline Mutant Alleles (ENIGMA)
Classification: Pathogenic for Breast-ovarian cancer, familial, susceptibility to, 1. Last evaluated: 2016-10-18. Review status: reviewed by expert panel. Criteria: ENIGMA BRCA1/2 Classification Criteria (2015). Collection method: curation. Allele origin: germline.
Comment: Variant allele predicted to encode a truncated non-functional protein.

Ambry Genetics
Classification: Pathogenic for Hereditary cancer-predisposing syndrome. Last evaluated: 2025-10-21. Review status: criteria provided, single submitter. Criteria: Ambry Variant Classification Scheme 2023. Collection method: clinical testing. Allele origin: germline. Not counted in ClinVar's aggregate classification.
Comment: The p.E540* pathogenic mutation (also known as c.1618G>T), located in coding exon 9 of the BRCA1 gene, results from a G to T substitution at nucleotide position 1618. This changes the amino acid from a glutamic acid to a stop codon within coding exon 9. This variant is considered to be rare based on population cohorts in the Genome Aggregation Database (gnomAD). This alteration is expected to result in loss of function by premature protein truncation or nonsense-mediated mRNA decay. As such, this alteration is interpreted as a disease-causing mutation.

Consortium of Investigators of Modifiers of BRCA1/2 (CIMBA), c/o University of Cambridge
Classification: Pathogenic for Breast-ovarian cancer, familial, susceptibility to, 1. Last evaluated: 2015-10-02. Review status: criteria provided, single submitter. Criteria: CIMBA Mutation Classification guidelines May 2016. Collection method: clinical testing. Allele origin: germline. Not counted in ClinVar's aggregate classification.

NM_007294.4(BRCA1):c.1618G>T (p.Glu540Ter)

Gene: BRCA1 (BRCA1 DNA repair associated; minus strand). Cytogenetic location: 17q21.31.
Variant type: single nucleotide variant.
Coding change: c.1618G>T on transcript NM_007294.4 (MANE Select); coding-DNA position 1618, G replaced by T.
Protein change: p.Glu540Ter; replaces glutamic acid 540 with a stop codon.
Molecular consequence: nonsense. On other transcripts: intron variant (137).
Genome position (GRCh38, 1-based): chr17:43,093,913, C>A on the plus strand (G>T on the coding strand, the complement: BRCA1 is on the minus strand). VCF-style: chr17-43093913-C-A. GRCh37 (hg19) VCF-style: chr17-41245930-C-A.
Other names: 1737G>T; c.1405G>T, p.Glu469Ter (NM_001407571.1, NM_001407915.1, NM_001407916.1 and 9 more transcripts); c.1618G>T, p.Glu540Ter (NM_001407581.1, NM_001407582.1, NM_001407583.1 and 30 more transcripts); c.1615G>T, p.Glu539Ter (NM_001407587.1, NM_001407590.1, NM_001407591.1 and 22 more transcripts); c.1540G>T, p.Glu514Ter (NM_001407653.1, NM_001407654.1, NM_001407655.1 and 4 more transcripts); c.1537G>T, p.Glu513Ter (NM_001407659.1, NM_001407660.1, NM_001407661.1 and 1 more transcripts); c.1492G>T, p.Glu498Ter (NM_001407671.1, NM_001407672.1, NM_001407673.1 and 11 more transcripts); c.1495G>T, p.Glu499Ter (NM_001407674.1, NM_001407675.1, NM_001407676.1 and 19 more transcripts); and 41 more; short protein forms E540*, E493*, E413*, E429*, E469*, E470*, E539*, E244*.
Identifiers: ClinVar variation 266176 (VCV000266176.8), dbSNP rs730881471, ClinGen allele CA10589930.
Genomic context (GRCh38, chr17:43,093,913, plus strand): 5'-CACCTTTTGTTTTATTCTCATGACCACTATTAGTAATATTCATCACTTGACCATTCTGCT[C>A]CGTTTGGTTAGTTCCCTGATTTATCATTTCAGGAGTCTTTTGAACTGCCAAATCTGCTTT-3'